The following is an entry in ClinVar:

ClinVar aggregate classification (germline): Uncertain significance (1 of 4 stars; one submission).

Submission:

ARUP Laboratories, Molecular Genetics and Genomics, ARUP Laboratories
Classification: Uncertain significance. Last evaluated: 2025-06-11. Review status: criteria provided, single submitter. Criteria: ARUP Molecular Germline Variant Investigation Process 2024. Collection method: clinical testing. Allele origin: germline.
Comment: The ACTA2 c.337A>T; p.Asn113Tyr variant, to our knowledge, is not reported in the medical literature or gene specific databases. This variant is also absent from the Genome Aggregation Database (v2.1.1), indicating it is not a common polymorphism. Computational analyses predict that this variant is deleterious (REVEL: 0.923). Due to limited information, the clinical significance of this variant is uncertain at this time.

NM_001613.4(ACTA2):c.337A>T (p.Asn113Tyr)

Gene: ACTA2 (actin alpha 2, smooth muscle; minus strand). Cytogenetic location: 10q23.31.
Variant type: single nucleotide variant.
Coding change: c.337A>T on transcript NM_001613.4 (MANE Select); coding-DNA position 337, A replaced by T.
Protein change: p.Asn113Tyr; replaces asparagine 113 with tyrosine.
Molecular consequence: missense variant. On other transcripts: intron variant (1).
Genome position (GRCh38, 1-based): chr10:88,943,829, T>A on the plus strand (A>T on the coding strand, the complement: ACTA2 is on the minus strand). VCF-style: chr10-88943829-T-A. GRCh37 (hg19) VCF-style: chr10-90703586-T-A.
Other names: c.337A>T, p.Asn113Tyr (NM_001141945.3, NM_001320855.2, NM_001406462.1 and 3 more transcripts); c.208A>T, p.Asn70Tyr (NM_001406467.1, NM_001406468.1, NM_001406469.1); c.259-1960A>T (NM_001406466.1); short protein forms N113Y, N70Y.
Identifiers: ClinVar variation 4685878 (VCV004685878.1).